The following is an entry in ClinVar:

ClinVar aggregate classification (germline): Uncertain significance. Review status: criteria provided, multiple submitters, no conflicts (2 of 4 stars). 2 submissions from 2 submitters: Uncertain significance (2). Last evaluated 2025-04-11.

Conditions:
Perlman syndrome (PRLMNS). Identifiers: Orphanet 2849, MedGen C0796113, MONDO:0009965, OMIM 267000.
Inborn genetic diseases. Identifiers: MedGen C0950123, MeSH D030342.

Allele frequency attached by ClinVar (database versions not stated): TOPMed below 0.00001; ExAC 0.00001; gnomAD 0.00001 and 0.00002.
gnomAD v4.1: 5 of 1,613,726 alleles (0.00031%); highest among the groups gnomAD compares: East Asian, 0.011%; no homozygotes.

Submissions (2):

Labcorp Genetics (formerly Invitae), Labcorp
Classification: Uncertain significance for Perlman syndrome. Last evaluated: 2025-04-11. Review status: criteria provided, single submitter. Criteria: Invitae Variant Classification Sherloc (09022015). Collection method: clinical testing. Allele origin: germline.
Comment: This sequence change replaces alanine, which is neutral and non-polar, with serine, which is neutral and polar, at codon 315 of the DIS3L2 protein (p.Ala315Ser). This variant is present in population databases (rs773590340, gnomAD 0.06%). This variant has not been reported in the literature in individuals affected with DIS3L2-related conditions. ClinVar contains an entry for this variant (Variation ID: 651406). Invitae Evidence Modeling of protein sequence and biophysical properties (such as structural, functional, and spatial information, amino acid conservation, physicochemical variation, residue mobility, and thermodynamic stability) indicates that this missense variant is not expected to disrupt DIS3L2 protein function with a negative predictive value of 80%. In summary, the available evidence is currently insufficient to determine the role of this variant in disease. Therefore, it has been classified as a Variant of Uncertain Significance.

Ambry Genetics
Classification: Uncertain significance for Inborn genetic diseases. Last evaluated: 2024-08-05. Review status: criteria provided, single submitter. Criteria: Ambry Variant Classification Scheme 2023. Collection method: clinical testing. Allele origin: germline.

NM_152383.5(DIS3L2):c.943G>T (p.Ala315Ser)

Gene: DIS3L2 (DIS3 like 3'-5' exoribonuclease 2; plus strand). Cytogenetic location: 2q37.1.
Variant type: single nucleotide variant.
Coding change: c.943G>T on transcript NM_152383.5 (MANE Select); coding-DNA position 943, G replaced by T.
Protein change: p.Ala315Ser; replaces alanine 315 with serine.
Molecular consequence: missense variant. On other transcripts: non-coding transcript variant (1).
Genome position (GRCh38, 1-based): chr2:232,136,712, G>T. VCF-style: chr2-232136712-G-T. GRCh37 (hg19) VCF-style: chr2-233001422-G-T.
Other names: c.943G>T, p.Ala315Ser (NM_001257281.2); short protein forms A315S.
Identifiers: ClinVar variation 651406 (VCV000651406.7), dbSNP rs773590340, ClinGen allele CA2163972.